The following is an entry in ClinVar:

ClinVar aggregate classification (germline): Uncertain significance (1 of 4 stars; one submission).

Submission:

Women's Health and Genetics/Laboratory Corporation of America, LabCorp
Classification: Uncertain significance. Last evaluated: 2026-04-29. Review status: criteria provided, single submitter. Criteria: LabCorp Variant Classification Summary - May 2015. Collection method: clinical testing. Allele origin: germline.
Comment: Variant summary: The variant involves the duplication of exons 1-5 in the ICOS gene. A presumed nomenclature of c.(?_-53)_(*1979_?)dup has been designated for the purposes of this classification. This duplication includes the entire coding sequence of the gene. As exact breakpoints are unknown, it may extend beyond the annotated region of the gene, to include other flanking genes. The variant was absent in 21694 control chromosomes. The available data on variant occurrences in the general population are insufficient to allow any conclusion about variant significance. To our knowledge, no occurrence of c.(?_-53)_(*1979_?)dup in individuals affected with ICOS-related conditions and no experimental evidence demonstrating its impact on protein function have been reported. No submitters have cited clinical-significance assessments for this variant to ClinVar. Based on the evidence outlined above, the variant was classified as uncertain significance.

NC_000002.11:g.(?_204801485)_(204826301_?)dup

Gene: ICOS (inducible T cell costimulator; plus strand). Cytogenetic location: 2q33.2.
Variant type: Duplication.
Identifiers: ClinVar variation 4849182 (VCV004849182.1).